The following is an entry in ClinVar:

ClinVar aggregate classification (germline): Conflicting classifications of pathogenicity. Review status: criteria provided, conflicting classifications (1 of 4 stars). 3 submissions from 3 submitters: Uncertain significance (2); Likely benign (1). Last evaluated 2026-08-06.

Conditions:
Hereditary cancer-predisposing syndrome. Also called: Hereditary Cancer Syndrome; Hereditary neoplastic syndrome; Neoplastic Syndromes, Hereditary; Tumor predisposition. Identifiers: Orphanet 140162, MedGen C0027672, MeSH D009386, MONDO:0015356.
Familial cancer of breast. Also called: BREAST CANCER, FAMILIAL; Hereditary breast cancer; hereditary breast carcinoma. Identifiers: Orphanet 227535, MedGen C0346153, MONDO:0016419, OMIM 114480. Disease mechanism: loss of function.
Ataxia-telangiectasia syndrome (AT). Also called: Ataxia-telangiectasia, complementation group E; Ataxia-telangiectasia, complementation group D; AT, COMPLEMENTATION GROUP C; ATAXIA-TELANGIECTASIA, COMPLEMENTATION GROUP A; ATAXIA-TELANGIECTASIA, FRESNO VARIANT; Ataxia-telangiectasia. Identifiers: Orphanet 100, MedGen C0004135, MONDO:0008840, OMIM 208900.

Allele frequency attached by ClinVar (database versions not stated): gnomAD exomes below 0.00001.
gnomAD v4.1: 1 of 1,613,866 alleles (0.000062%); highest among the groups gnomAD compares: Non-Finnish European, 0.000085%; no homozygotes.

Submissions (3):

OLLIN Analises Genomicas, OLLIN
Classification: Uncertain significance for Familial cancer of breast. Last evaluated: 2026-08-06. Review status: criteria provided, single submitter. Criteria: ACMG Guidelines 2015 PMID 25741868. Collection method: clinical testing. Allele origin: germline. Inheritance: Autosomal recessive inheritance.
Comment: This missense variant, located in exon 24 (of 63), has been reported in ClinVar (accession VCV001039562.10) and in gnomAD with an allele frequency of 0.000062%. However, to our knowledge, it has not been reported in the scientific literature. In silico analysis predicts that this variant has a tolerated effect. According to the currently available evidence, this variant has been classified as uncertain significance (PM2_P, BP4).

Ambry Genetics
Classification: Likely benign for Hereditary cancer-predisposing syndrome. Last evaluated: 2026-03-11. Review status: criteria provided, single submitter. Criteria: Ambry Variant Classification Scheme 2023. Collection method: clinical testing. Allele origin: germline.

Labcorp Genetics (formerly Invitae), Labcorp
Classification: Uncertain significance for Ataxia-telangiectasia syndrome. Last evaluated: 2025-05-08. Review status: criteria provided, single submitter. Criteria: Invitae Variant Classification Sherloc (09022015). Collection method: clinical testing. Allele origin: germline.
Comment: This sequence change replaces histidine, which is basic and polar, with tyrosine, which is neutral and polar, at codon 1188 of the ATM protein (p.His1188Tyr). This variant is not present in population databases (gnomAD no frequency). This variant has not been reported in the literature in individuals affected with ATM-related conditions. ClinVar contains an entry for this variant (Variation ID: 1039562). Invitae Evidence Modeling of protein sequence and biophysical properties (such as structural, functional, and spatial information, amino acid conservation, physicochemical variation, residue mobility, and thermodynamic stability) indicates that this missense variant is not expected to disrupt ATM protein function with a negative predictive value of 95%. In summary, the available evidence is currently insufficient to determine the role of this variant in disease. Therefore, it has been classified as a Variant of Uncertain Significance.

NM_000051.4(ATM):c.3562C>T (p.His1188Tyr)

Gene: ATM (ATM serine/threonine kinase; plus strand). Cytogenetic location: 11q22.3.
Variant type: single nucleotide variant.
Coding change: c.3562C>T on transcript NM_000051.4 (MANE Select); coding-DNA position 3562, C replaced by T.
Protein change: p.His1188Tyr; replaces histidine 1188 with tyrosine.
Molecular consequence: missense variant.
Genome position (GRCh38, 1-based): chr11:108,281,154, C>T. VCF-style: chr11-108281154-C-T. GRCh37 (hg19) VCF-style: chr11-108151881-C-T.
Other names: c.3562C>T (NM_000051.3); c.3562C>T, p.His1188Tyr (NM_001351834.2); short protein forms H1188Y.
Identifiers: ClinVar variation 1039562 (VCV001039562.11), dbSNP rs2082213882, ClinGen allele CA382520587.